The following is an entry in ClinVar:

NM_022455.5(NSD1):c.5915T>C (p.Val1972Ala)

Gene: NSD1 (nuclear receptor binding SET domain protein 1; plus strand). Cytogenetic location: 5q35.3.
Variant type: single nucleotide variant.
Coding change: c.5915T>C on transcript NM_022455.5 (MANE Select); coding-DNA position 5915, T replaced by C.
Protein change: p.Val1972Ala; replaces valine 1972 with alanine.
Molecular consequence: missense variant.
Genome position (GRCh38, 1-based): chr5:177,282,487, T>C. VCF-style: chr5-177282487-T-C. GRCh37 (hg19) VCF-style: chr5-176709488-T-C.
Other names: c.5042T>C, p.Val1681Ala (NM_001365684.2, NM_001409308.1, NM_001409309.1 and 1 more transcripts); c.5915T>C, p.Val1972Ala (NM_001409301.1, NM_001409302.1, NM_001409303.1); c.5495T>C, p.Val1832Ala (NM_001409304.1); c.5162T>C, p.Val1721Ala (NM_001409305.1); c.5153T>C, p.Val1718Ala (NM_001409306.1, NM_001409307.1); short protein forms V1681A, V1718A, V1721A, V1832A, V1972A.
Identifiers: ClinVar variation 3373459 (VCV003373459.2).
Genomic context (GRCh38, chr5:177,282,487, plus strand): 5'-TTTTTTGCCATTAAGTCAGGAGGTATTTCTTGTTCTAGGGTGAATTTGTGAATGAGTATG[T>C]GGGTGAGCTTATAGATGAAGAAGAATGCAGAGCTCGAATTCGCTATGCTCAAGAACATGA-3'
Protein context (NP_071900.2, residues 1962-1982): IKKGEFVNEY[Val1972Ala]GELIDEEECR

ClinVar aggregate classification (germline): Uncertain significance. Review status: criteria provided, multiple submitters, no conflicts (2 of 4 stars). 2 submissions from 2 submitters: Uncertain significance (2). Last evaluated 2025-08-30.

Submissions (2):

Labcorp Genetics (formerly Invitae), Labcorp
Classification: Uncertain significance. Last evaluated: 2025-08-30. Review status: criteria provided, single submitter. Criteria: Invitae Variant Classification Sherloc (09022015). Collection method: clinical testing. Allele origin: germline.
Comment: This sequence change replaces valine, which is neutral and non-polar, with alanine, which is neutral and non-polar, at codon 1972 of the NSD1 protein (p.Val1972Ala). This variant is not present in population databases (gnomAD no frequency). This variant has not been reported in the literature in individuals affected with NSD1-related conditions. ClinVar contains an entry for this variant (Variation ID: 3373459). Invitae Evidence Modeling of protein sequence and biophysical properties (such as structural, functional, and spatial information, amino acid conservation, physicochemical variation, residue mobility, and thermodynamic stability) indicates that this missense variant is expected to disrupt NSD1 protein function with a positive predictive value of 95%. In summary, the available evidence is currently insufficient to determine the role of this variant in disease. Therefore, it has been classified as a Variant of Uncertain Significance.

GeneDx
Classification: Uncertain significance. Last evaluated: 2024-02-28. Review status: criteria provided, single submitter. Criteria: GeneDx Variant Classification Process June 2021. Collection method: clinical testing. Allele origin: germline. Affected: yes.
Comment: Not observed at significant frequency in large population cohorts (gnomAD); In silico analysis supports that this missense variant has a deleterious effect on protein structure/function; Has not been previously published as pathogenic or benign to our knowledge.